The following is an entry in ClinVar:

ClinVar aggregate classification (germline): Uncertain significance (1 of 4 stars; one submission).

Allele frequency attached by ClinVar (database versions not stated): gnomAD exomes below 0.00001.
gnomAD v4.1: 1 of 1,608,764 alleles (0.000062%); highest among the groups gnomAD compares: East Asian, 0.0022%; no homozygotes.

Submission:

Labcorp Genetics (formerly Invitae), Labcorp
Classification: Uncertain significance. Last evaluated: 2021-11-08. Review status: criteria provided, single submitter. Criteria: Invitae Variant Classification Sherloc (09022015). Collection method: clinical testing. Allele origin: germline.
Comment: This sequence change replaces lysine, which is basic and polar, with asparagine, which is neutral and polar, at codon 166 of the CNGB3 protein (p.Lys166Asn). This variant is present in population databases (no rsID available, gnomAD 0.006%). This variant has not been reported in the literature in individuals affected with CNGB3-related conditions. ClinVar contains an entry for this variant (Variation ID: 1004524). Advanced modeling of protein sequence and biophysical properties (such as structural, functional, and spatial information, amino acid conservation, physicochemical variation, residue mobility, and thermodynamic stability) performed at Invitae indicates that this missense variant is not expected to disrupt CNGB3 protein function. In summary, the available evidence is currently insufficient to determine the role of this variant in disease. Therefore, it has been classified as a Variant of Uncertain Significance.

NM_019098.5(CNGB3):c.498G>T (p.Lys166Asn)

Gene: CNGB3 (cyclic nucleotide gated channel subunit beta 3; minus strand). Cytogenetic location: 8q21.3.
Variant type: single nucleotide variant.
Coding change: c.498G>T on transcript NM_019098.5 (MANE Select); coding-DNA position 498, G replaced by T.
Protein change: p.Lys166Asn; replaces lysine 166 with asparagine.
Molecular consequence: missense variant.
Genome position (GRCh38, 1-based): chr8:86,668,164, C>A on the plus strand (G>T on the coding strand, the complement: CNGB3 is on the minus strand). VCF-style: chr8-86668164-C-A. GRCh37 (hg19) VCF-style: chr8-87680392-C-A.
Other names: short protein forms K166N.
Identifiers: ClinVar variation 1004524 (VCV001004524.4), dbSNP rs1563747899, ClinGen allele CA371450002.